The following is an entry in ClinVar:

ClinVar aggregate classification (germline): Uncertain significance. Review status: criteria provided, multiple submitters, no conflicts (2 of 4 stars). 3 submissions from 3 submitters: Uncertain significance (3). Last evaluated 2024-11-03.

Allele frequency attached by ClinVar (database versions not stated): TOPMed below 0.00001.
gnomAD v4.1: 7 of 1,613,726 alleles (0.00043%); highest among the groups gnomAD compares: East Asian, 0.0022%; no homozygotes.

Submissions (3):

Labcorp Genetics (formerly Invitae), Labcorp
Classification: Uncertain significance. Last evaluated: 2024-11-03. Review status: criteria provided, single submitter. Criteria: Invitae Variant Classification Sherloc (09022015). Collection method: clinical testing. Allele origin: germline.
Comment: This sequence change replaces tryptophan, which is neutral and slightly polar, with cysteine, which is neutral and slightly polar, at codon 32 of the PROM1 protein (p.Trp32Cys). This variant is present in population databases (rs794726926, gnomAD 0.006%). This missense change has been observed in individual(s) with clinical features of retinitis pigmentosa (internal data). ClinVar contains an entry for this variant (Variation ID: 193331). Invitae Evidence Modeling of protein sequence and biophysical properties (such as structural, functional, and spatial information, amino acid conservation, physicochemical variation, residue mobility, and thermodynamic stability) indicates that this missense variant is not expected to disrupt PROM1 protein function with a negative predictive value of 80%. In summary, the available evidence is currently insufficient to determine the role of this variant in disease. Therefore, it has been classified as a Variant of Uncertain Significance.

Blueprint Genetics
Classification: Uncertain significance. Last evaluated: 2022-09-14. Review status: criteria provided, single submitter. Criteria: ACMG Guidelines, 2015. Collection method: clinical testing. Allele origin: germline.

Eurofins Ntd Llc (ga)
Classification: Uncertain significance. Last evaluated: 2014-06-10. Review status: criteria provided, single submitter. Criteria: EGL Classification Definitions 2015. Collection method: clinical testing. Allele origin: germline. Observed: 1 variant allele, 1 heterozygote.

NM_006017.3(PROM1):c.96G>T (p.Trp32Cys)

Gene: PROM1 (prominin 1; minus strand). Cytogenetic location: 4p15.32.
Variant type: single nucleotide variant.
Coding change: c.96G>T on transcript NM_006017.3 (MANE Select); coding-DNA position 96, G replaced by T.
Protein change: p.Trp32Cys; replaces tryptophan 32 with cysteine.
Molecular consequence: missense variant.
Genome position (GRCh38, 1-based): chr4:16,075,811, C>A on the plus strand (G>T on the coding strand, the complement: PROM1 is on the minus strand). VCF-style: chr4-16075811-C-A. GRCh37 (hg19) VCF-style: chr4-16077434-C-A.
Other names: c.96G>T, p.Trp32Cys (NM_001145847.2, NM_001145848.2, NM_001145849.2 and 6 more transcripts); short protein forms W32C.
Identifiers: ClinVar variation 193331 (VCV000193331.12), dbSNP rs794726926, ClinGen allele CA238847.
Genomic context (GRCh38, chr4:16,075,811, plus strand): 5'-AATGGGTCCAGCTTTATGGGAGTCTTGGGTCTCATAATTTGTTGCAGGCAATTCATAATT[C>A]CAAGCCTTAGGAGCATCTGTGGATGAAGGCTGCCCTCCTGAAAAGGAGTTCCCGCACAGC-3'
Protein context (NP_006008.1, residues 22-42): QPSSTDAPKA[Trp32Cys]NYELPATNYE